The following is an entry in ClinVar:

NM_000548.5(TSC2):c.2844G>A (p.Arg948=)

Gene: TSC2 (TSC complex subunit 2; plus strand). Cytogenetic location: 16p13.3.
Variant type: single nucleotide variant.
Coding change: c.2844G>A on transcript NM_000548.5 (MANE Select); coding-DNA position 2844, G replaced by A.
Protein change: p.Arg948=; no amino-acid change (arginine 948 retained).
Molecular consequence: synonymous variant. On other transcripts: intron variant (9).
Genome position (GRCh38, 1-based): chr16:2,077,604, G>A. VCF-style: chr16-2077604-G-A. GRCh37 (hg19) VCF-style: chr16-2127605-G-A.
Other names: c.2844G>A, p.Arg948= (NM_001114382.3); c.2837+1019G>A (NM_021055.3, NM_001370405.1, NM_001363528.2 and 2 more transcripts); c.2726+1019G>A (NM_001318827.2); c.2237+1019G>A (NM_001318831.2); c.2690+1019G>A (NM_001318829.2); c.2870+1019G>A (NM_001318832.2).
Identifiers: ClinVar variation 413724 (VCV000413724.21), dbSNP rs1060504114, ClinGen allele CA16615086.

ClinVar aggregate classification (germline): Benign/Likely benign. Review status: criteria provided, multiple submitters, no conflicts (2 of 4 stars). 6 submissions from 6 submitters: Benign (2); Likely benign (4). Last evaluated 2026-01-25.

Conditions:
Hereditary cancer-predisposing syndrome. Also called: Neoplastic Syndromes, Hereditary; Tumor predisposition; Hereditary Cancer Syndrome; Hereditary neoplastic syndrome. Identifiers: Orphanet 140162, MedGen C0027672, MeSH D009386, MONDO:0015356.
Tuberous sclerosis syndrome (TSC). Also called: Tuberous Sclerosis Complex; Tuberous sclerosis. Identifiers: Orphanet 805, MedGen C0041341, MONDO:0001734.
Tuberous sclerosis 2 (TSC2). Identifiers: Orphanet 805, MedGen C1860707, MONDO:0013199, OMIM 613254.

Allele frequency attached by ClinVar (database versions not stated): gnomAD exomes below 0.00001; gnomAD 0.00001.
gnomAD v4.1: 5 of 1,612,934 alleles (0.00031%); highest among the groups gnomAD compares: Non-Finnish European, 0.00042%; no homozygotes.

Submissions (6):

Labcorp Genetics (formerly Invitae), Labcorp
Classification: Likely benign for Tuberous sclerosis 2. Last evaluated: 2026-01-25. Review status: criteria provided, single submitter. Criteria: Invitae Variant Classification Sherloc (09022015). Collection method: clinical testing. Allele origin: germline.

Myriad Genetics, Inc.
Classification: Benign for Tuberous sclerosis 2. Last evaluated: 2025-05-27. Review status: criteria provided, single submitter. Criteria: Myriad Autosomal Dominant, Autosomal Recessive and X-Linked Classification Criteria (2023). Collection method: clinical testing. Allele origin: unknown.
Comment: This variant is considered benign. This variant is a silent/synonymous amino acid change and it is not expected to impact splicing.

All of Us Research Program, National Institutes of Health
Classification: Likely benign for Tuberous sclerosis syndrome. Last evaluated: 2023-04-28. Review status: criteria provided, single submitter. Criteria: ACMG Guidelines, 2015. Collection method: clinical testing. Allele origin: germline. Inheritance: Autosomal dominant inheritance. Observed: 1 variant allele, 1 heterozygote.
Comment: This study involves interpretation of variants in research participants for the purpose of population health screening. Participant phenotype was not available at the time of variant classification. Additional details can be found in publication PMID: 35346344, PMCID: PMC8962531

Blueprint Genetics
Classification: Likely benign. Last evaluated: 2022-07-29. Review status: criteria provided, single submitter. Criteria: ACMG Guidelines, 2015. Collection method: clinical testing. Allele origin: germline.

Genome-Nilou Lab
Classification: Benign for Tuberous sclerosis 2. Last evaluated: 2021-11-07. Review status: criteria provided, single submitter. Criteria: ACMG Guidelines, 2015. Collection method: clinical testing. Allele origin: germline. Affected: no.

Ambry Genetics
Classification: Likely benign for Hereditary cancer-predisposing syndrome. Last evaluated: 2017-05-17. Review status: criteria provided, single submitter. Criteria: Ambry Variant Classification Scheme 2023. Collection method: clinical testing. Allele origin: germline.